The following is an entry in ClinVar:

ClinVar aggregate classification (germline): Uncertain significance. Review status: criteria provided, multiple submitters, no conflicts (2 of 4 stars). 2 submissions from 2 submitters: Uncertain significance (2). Last evaluated 2024-05-14.

Conditions:
Inborn genetic diseases. Identifiers: MedGen C0950123, MeSH D030342.

Allele frequency attached by ClinVar (database versions not stated): ExAC 0.00001; gnomAD exomes 0.00002; TOPMed 0.00002; gnomAD 0.00003.
gnomAD v4.1: 28 of 1,614,242 alleles (0.0017%); highest among the groups gnomAD compares: Middle Eastern, 0.033%; no homozygotes.

Submissions (2):

Ambry Genetics
Classification: Uncertain significance for Inborn genetic diseases. Last evaluated: 2024-05-14. Review status: criteria provided, single submitter. Criteria: Ambry Variant Classification Scheme 2023. Collection method: clinical testing. Allele origin: germline.

Labcorp Genetics (formerly Invitae), Labcorp
Classification: Uncertain significance. Last evaluated: 2022-03-22. Review status: criteria provided, single submitter. Criteria: Invitae Variant Classification Sherloc (09022015). Collection method: clinical testing. Allele origin: germline.
Comment: This sequence change replaces valine, which is neutral and non-polar, with methionine, which is neutral and non-polar, at codon 1364 of the LTBP2 protein (p.Val1364Met). This variant is present in population databases (rs750392690, gnomAD 0.003%). This variant has not been reported in the literature in individuals affected with LTBP2-related conditions. Algorithms developed to predict the effect of missense changes on protein structure and function are either unavailable or do not agree on the potential impact of this missense change (SIFT: "Deleterious"; PolyPhen-2: "Probably Damaging"; Align-GVGD: "Class C0"). In summary, the available evidence is currently insufficient to determine the role of this variant in disease. Therefore, it has been classified as a Variant of Uncertain Significance.

NM_000428.3(LTBP2):c.4090G>A (p.Val1364Met)

Gene: LTBP2 (latent transforming growth factor beta binding protein 2; minus strand). Cytogenetic location: 14q24.3.
Variant type: single nucleotide variant.
Coding change: c.4090G>A on transcript NM_000428.3 (MANE Select); coding-DNA position 4090, G replaced by A.
Protein change: p.Val1364Met; replaces valine 1364 with methionine.
Molecular consequence: missense variant.
Genome position (GRCh38, 1-based): chr14:74,506,135, C>T on the plus strand (G>A on the coding strand, the complement: LTBP2 is on the minus strand). VCF-style: chr14-74506135-C-T. GRCh37 (hg19) VCF-style: chr14-74972838-C-T.
Other names: c.4090G>A (NM_000428.2); short protein forms V1364M.
Identifiers: ClinVar variation 2417223 (VCV002417223.4), dbSNP rs750392690, ClinGen allele CA7268871.
Genomic context (GRCh38, chr14:74,506,135, plus strand): 5'-CCTCCTGGGCATCGTACTCCTCCAGGTCACTGGCACAGAGGCACAGGAAGGAGCCCTCCA[C>T]GTTCTCACAGAGCGCGGCCCCACATACCGCCAGCATAAGCTCACACTCGTTCACATCTGC-3'
Protein context (NP_000419.1, residues 1354-1374): AVCGAALCEN[Val1364Met]EGSFLCLCAS